The following is an entry in ClinVar:

ClinVar aggregate classification (germline): Uncertain significance (1 of 4 stars; one submission).

Allele frequency attached by ClinVar (database versions not stated): gnomAD 0.00001; ExAC 0.00002.

Submission:

Labcorp Genetics (formerly Invitae), Labcorp
Classification: Uncertain significance. Last evaluated: 2024-05-22. Review status: criteria provided, single submitter. Criteria: Invitae Variant Classification Sherloc (09022015). Collection method: clinical testing. Allele origin: germline.
Comment: This sequence change replaces glycine, which is neutral and non-polar, with arginine, which is basic and polar, at codon 746 of the ITGAM protein (p.Gly746Arg). The frequency data for this variant in the population databases is considered unreliable, as metrics indicate poor data quality at this position in the gnomAD database. This variant has not been reported in the literature in individuals affected with ITGAM-related conditions. Algorithms developed to predict the effect of missense changes on protein structure and function output the following: SIFT: "Not Available"; PolyPhen-2: "Possibly Damaging"; Align-GVGD: "Not Available". The arginine amino acid residue is found in multiple mammalian species, which suggests that this missense change does not adversely affect protein function. Algorithms developed to predict the effect of sequence changes on RNA splicing suggest that this variant may create or strengthen a splice site. In summary, the available evidence is currently insufficient to determine the role of this variant in disease. Therefore, it has been classified as a Variant of Uncertain Significance.

NM_000632.4(ITGAM):c.2236G>A (p.Gly746Arg)

Gene: ITGAM (integrin subunit alpha M; plus strand). Cytogenetic location: 16p11.2.
Variant type: single nucleotide variant.
Coding change: c.2236G>A on transcript NM_000632.4 (MANE Select); coding-DNA position 2236, G replaced by A.
Protein change: p.Gly746Arg; replaces glycine 746 with arginine.
Molecular consequence: missense variant.
Genome position (GRCh38, 1-based): chr16:31,324,729, G>A. VCF-style: chr16-31324729-G-A. GRCh37 (hg19) VCF-style: chr16-31336050-G-A.
Other names: c.2239G>A, p.Gly747Arg (NM_001145808.2); short protein forms G747R, G746R.
Identifiers: ClinVar variation 2748980 (VCV002748980.3), dbSNP rs769503232, ClinGen allele CA8025761.